The following is an entry in ClinVar:

ClinVar aggregate classification (germline): Pathogenic (1 of 4 stars; one submission).

Conditions:
Bardet-Biedl syndrome (BBS). Identifiers: Orphanet 110, MedGen C0752166, MONDO:0015229.

Submission:

Labcorp Genetics (formerly Invitae), Labcorp
Classification: Pathogenic for Bardet-Biedl syndrome. Last evaluated: 2024-02-24. Review status: criteria provided, single submitter. Criteria: Invitae Variant Classification Sherloc (09022015). Collection method: clinical testing. Allele origin: germline.
Comment: This sequence change creates a premature translational stop signal (p.Met181Ilefs*14) in the BBS7 gene. It is expected to result in an absent or disrupted protein product. Loss-of-function variants in BBS7 are known to be pathogenic (PMID: 12567324, 19402160, 21209035, 31196119). This variant is not present in population databases (gnomAD no frequency). This variant has not been reported in the literature in individuals affected with BBS7-related conditions. ClinVar contains an entry for this variant (Variation ID: 531829). Algorithms developed to predict the effect of sequence changes on RNA splicing suggest that this variant may disrupt the consensus splice site. For these reasons, this variant has been classified as Pathogenic.

Literature cited by the submitters: PubMed 12567324; PubMed 19402160; PubMed 21209035; PubMed 31196119.

NM_176824.3(BBS7):c.542_543insAA (p.Met181fs)

Gene: BBS7 (Bardet-Biedl syndrome 7; minus strand). Cytogenetic location: 4q27.
Variant type: Insertion.
Coding change: c.542_543insAA on transcript NM_176824.3 (MANE Select); coding-DNA positions 542 to 543, AA inserted.
Protein change: p.Met181fs; shifts the reading frame from methionine 181.
Molecular consequence: frameshift variant.
Genome position: GRCh38 VCF-style: chr4-121855547-C-CTT. GRCh37 (hg19) VCF-style: chr4-122776702-C-CTT.
Other names: c.542_543insAA, p.Met181fs (NM_018190.4); short protein forms M181fs.
Identifiers: ClinVar variation 531829 (VCV000531829.7), dbSNP rs1553933472, ClinGen allele CA658796464.
Genomic context (GRCh38, chr4:121,855,547, plus strand): 5'-ACCGCCATTTCCATTGTGTAGTGCTAAGACAGTAGGGGGTCCAGGAACTTCAACTGCATA[C>CTT]ATCACATCAGATCCCTGAAGGAGAAGTATTTAAAAACTGAAACAGAATACAAACTGAAAA-3'